The following is an entry in ClinVar:

ClinVar aggregate classification (germline): Likely benign. Review status: criteria provided, multiple submitters, no conflicts (2 of 4 stars). 3 submissions from 3 submitters: Likely benign (2). 1 of the submissions does not count toward it. Last evaluated 2023-08-15.

Conditions:
Marfan syndrome (MFS). Also called: FBN1-Related Marfan Syndrome; MARFAN SYNDROME, TYPE I; Marfan syndrome type 1; Marfan's syndrome; Marfan syndrome, classic. Identifiers: Orphanet 284963, Orphanet 558, MedGen C0024796, MONDO:0007947, OMIM 154700.
FBN1-related disorder. Also called: FBN1-related disorders.
Familial thoracic aortic aneurysm and aortic dissection (TAAD). Also called: Thoracic aortic aneurysms and dissections. Identifiers: Orphanet 91387, MedGen C4707243, MONDO:0019625.

Allele frequency attached by ClinVar (database versions not stated): gnomAD exomes below 0.00001.
gnomAD v4.1: 1 of 1,614,176 alleles (0.000062%); highest among the groups gnomAD compares: Non-Finnish European, 0.000085%; no homozygotes.

Submissions (3):

All of Us Research Program, National Institutes of Health
Classification: Likely benign for Marfan syndrome. Last evaluated: 2023-08-15. Review status: criteria provided, single submitter. Criteria: ACMG Guidelines, 2015. Collection method: clinical testing. Allele origin: germline. Inheritance: Autosomal dominant inheritance. Observed: 1 variant allele, 1 heterozygote.
Comment: This study involves interpretation of variants in research participants for the purpose of population health screening. Participant phenotype was not available at the time of variant classification. Additional details can be found in publication PMID: 35346344, PMCID: PMC8962531

Color Diagnostics, LLC DBA Color Health
Classification: Likely benign for Familial thoracic aortic aneurysm and aortic dissection. Last evaluated: 2022-11-07. Review status: criteria provided, single submitter. Criteria: ACMG Guidelines, 2015. Collection method: clinical testing. Allele origin: germline.

PreventionGenetics, part of Exact Sciences
Classification: Likely benign for FBN1-related condition. Last evaluated: 2024-07-17. Review status: no assertion criteria provided. Collection method: clinical testing. Allele origin: germline. Not counted in ClinVar's aggregate classification.
Comment: This variant is classified as likely benign based on ACMG/AMP sequence variant interpretation guidelines (Richards et al. 2015 PMID: 25741868, with internal and published modifications).

NM_000138.5(FBN1):c.3600A>G (p.Glu1200=)

Gene: FBN1 (fibrillin 1; minus strand). Cytogenetic location: 15q21.1.
Variant type: single nucleotide variant.
Coding change: c.3600A>G on transcript NM_000138.5 (MANE Select); coding-DNA position 3600, A replaced by G.
Protein change: p.Glu1200=; no amino-acid change (glutamic acid 1200 retained).
Molecular consequence: synonymous variant.
Genome position (GRCh38, 1-based): chr15:48,485,486, T>C on the plus strand (A>G on the coding strand, the complement: FBN1 is on the minus strand). VCF-style: chr15-48485486-T-C. GRCh37 (hg19) VCF-style: chr15-48777683-T-C.
Other names: c.3600A>G, p.Glu1200= (NM_001406716.1).
Identifiers: ClinVar variation 2773356 (VCV002773356.4), dbSNP rs2505545198, ClinGen allele CA490017696.
Genomic context (GRCh38, chr15:48,485,486, plus strand): 5'-TTCATAGCTGCCTTCAGAGTTTGTGCAGAAGGTTTCACAACCACCATTCATTATGCTGCA[T>C]TCATCAATGTCTAAAAGAAATGAAAATAATATCACCTTCTGATATGGTTTGGATGTCTGT-3'
Protein context (NP_000129.3, residues 1190-1210): PDRLFCVDID[Glu1200=]CSIMNGGCET